The following is an entry in ClinVar:

NM_002382.5(MAX):c.269G>A (p.Arg90Gln)

Gene: MAX (MYC associated transcriptional regulator X; minus strand). Cytogenetic location: 14q23.3.
Variant type: single nucleotide variant.
Coding change: c.269G>A on transcript NM_002382.5 (MANE Select); coding-DNA position 269, G replaced by A.
Protein change: p.Arg90Gln; replaces arginine 90 with glutamine.
Molecular consequence: missense variant. On other transcripts: 5 prime UTR variant (1), intron variant (2).
Genome position (GRCh38, 1-based): chr14:65,077,939, C>T on the plus strand (G>A on the coding strand, the complement: MAX is on the minus strand). VCF-style: chr14-65077939-C-T. GRCh37 (hg19) VCF-style: chr14-65544657-C-T.
Other names: c.-6G>A (NM_001320415.2, NM_001407105.1, NM_001407106.1 and 1 more transcripts); c.269G>A, p.Arg90Gln (NM_001407094.1, NM_001407096.1, NM_001407097.1 and 3 more transcripts); c.242G>A, p.Arg81Gln (NM_001407095.1, NM_001407099.1, NM_001407100.1 and 6 more transcripts); c.161G>A, p.Arg54Gln (NM_001407098.1); c.-99G>A (NM_001407111.1, NM_001407112.1); c.144+15769G>A (NM_001271069.2); c.171+15769G>A (NM_197957.4); short protein forms R90Q, R81Q, R54Q.
Identifiers: ClinVar variation 485702 (VCV000485702.18), dbSNP rs876659562, ClinGen allele CA390035506.

ClinVar aggregate classification (germline): Uncertain significance. Review status: criteria provided, multiple submitters, no conflicts (2 of 4 stars). 4 submissions from 4 submitters: Uncertain significance (4). Last evaluated 2025-11-04.

Conditions:
Hereditary cancer-predisposing syndrome. Also called: Neoplastic Syndromes, Hereditary; Hereditary neoplastic syndrome; Tumor predisposition; Hereditary Cancer Syndrome. Identifiers: Orphanet 140162, MedGen C0027672, MeSH D009386, MONDO:0015356.
Hereditary pheochromocytoma and paraganglioma. Also called: Hereditary Paraganglioma-Pheochromocytoma Syndromes; Hereditary paragangliomas and pheochromocytomas; Hereditary pheochromocytoma-paraganglioma. Identifiers: Orphanet 29072, MedGen C4274332, MONDO:0017366.
Pheochromocytoma. Also called: MAX-Related Hereditary Paraganglioma-Pheochromocytoma Syndrome. Identifiers: Orphanet 29072, MedGen C0031511, MONDO:0008233, OMIM 171300, HP:0002666.

Allele frequency attached by ClinVar (database versions not stated): gnomAD exomes below 0.00001.
gnomAD v4.1: 3 of 1,614,206 alleles (0.00019%); highest among the groups gnomAD compares: Admixed American, 0.0017%; no homozygotes.

Submissions (4):

Labcorp Genetics (formerly Invitae), Labcorp
Classification: Uncertain significance for Hereditary pheochromocytoma and paraganglioma. Last evaluated: 2025-11-04. Review status: criteria provided, single submitter. Criteria: Invitae Variant Classification Sherloc (09022015). Collection method: clinical testing. Allele origin: germline.
Comment: This sequence change replaces arginine, which is basic and polar, with glutamine, which is neutral and polar, at codon 90 of the MAX protein (p.Arg90Gln). This variant is present in population databases (no rsID available, gnomAD 0.003%). This variant has not been reported in the literature in individuals affected with MAX-related conditions. ClinVar contains an entry for this variant (Variation ID: 485702). An algorithm developed to predict the effect of missense changes on protein structure and function (PolyPhen-2) suggests that this variant is likely to be tolerated. In summary, the available evidence is currently insufficient to determine the role of this variant in disease. Therefore, it has been classified as a Variant of Uncertain Significance.

Ambry Genetics
Classification: Uncertain significance for Hereditary cancer-predisposing syndrome. Last evaluated: 2024-07-26. Review status: criteria provided, single submitter. Criteria: Ambry Variant Classification Scheme 2023. Collection method: clinical testing. Allele origin: germline.
Comment: The p.R90Q variant (also known as c.269G>A), located in coding exon 4 of the MAX gene, results from a G to A substitution at nucleotide position 269. The arginine at codon 90 is replaced by glutamine, an amino acid with highly similar properties. This amino acid position is highly conserved in available vertebrate species. In addition, the in silico prediction for this alteration is inconclusive. Since supporting evidence is limited at this time, the clinical significance of this alteration remains unclear.

GeneDx
Classification: Uncertain significance. Last evaluated: 2024-06-11. Review status: criteria provided, single submitter. Criteria: GeneDx Variant Classification Process June 2021. Collection method: clinical testing. Allele origin: germline. Affected: yes.
Comment: Not observed at significant frequency in large population cohorts (gnomAD); In silico analysis supports that this missense variant has a deleterious effect on protein structure/function; Has not been previously published as pathogenic or benign to our knowledge; This variant is associated with the following publications: (PMID: 1730412)

St. Jude Molecular Pathology, St. Jude Children's Research Hospital
Classification: Uncertain significance for Pheochromocytoma. Last evaluated: 2024-03-07. Review status: criteria provided, single submitter. Criteria: St. Jude Assertion Criteria 2020. Collection method: clinical testing. Allele origin: germline.
Comment: The MAX c.269G>A (p.Arg90Gln) missense change has a maximum subpopulation frequency of 0.003% in gnomAD v2.1.1. The in silico tool REVEL is inconclusive about a pathogenic or benign effect of this variant on protein function, and to our knowledge functional studies have not been performed. To our knowledge, this variant has not been reported in individuals with paraganglioma or pheochromocytoma. In summary, the evidence currently available is insufficient to determine the clinical significance of this variant. It has therefore been classified as of uncertain significance.